The following is an entry in ClinVar:

ClinVar aggregate classification (germline): Conflicting classifications of pathogenicity. Review status: criteria provided, conflicting classifications (1 of 4 stars). 2 submissions from 2 submitters: Uncertain significance (1); Likely benign (1). Last evaluated 2023-02-27.

Conditions:
Inborn genetic diseases. Identifiers: MedGen C0950123, MeSH D030342.

Allele frequency attached by ClinVar (database versions not stated): gnomAD 0.00004 and 0.00007; gnomAD exomes 0.00004 and 0.00016; TOPMed 0.00006; ExAC 0.00013; 1000 Genomes Project 30x 0.00031; 1000 Genomes Project 0.00040.
gnomAD v4.1: 75 of 1,613,898 alleles (0.0046%); highest among the groups gnomAD compares: East Asian, 0.085%; no homozygotes.

Submissions (2):

Ambry Genetics
Classification: Likely benign for Inborn genetic diseases. Last evaluated: 2023-02-27. Review status: criteria provided, single submitter. Criteria: Ambry Variant Classification Scheme 2023. Collection method: clinical testing. Allele origin: germline.

Labcorp Genetics (formerly Invitae), Labcorp
Classification: Uncertain significance. Last evaluated: 2022-10-04. Review status: criteria provided, single submitter. Criteria: Invitae Variant Classification Sherloc (09022015). Collection method: clinical testing. Allele origin: germline.
Comment: This sequence change replaces alanine, which is neutral and non-polar, with threonine, which is neutral and polar, at codon 175 of the ACBD5 protein (p.Ala175Thr). This variant is present in population databases (rs191654621, gnomAD 0.2%). This variant has not been reported in the literature in individuals affected with ACBD5-related conditions. ClinVar contains an entry for this variant (Variation ID: 933766). Advanced modeling of protein sequence and biophysical properties (such as structural, functional, and spatial information, amino acid conservation, physicochemical variation, residue mobility, and thermodynamic stability) performed at Invitae indicates that this missense variant is not expected to disrupt ACBD5 protein function. In summary, the available evidence is currently insufficient to determine the role of this variant in disease. Therefore, it has been classified as a Variant of Uncertain Significance.

NM_145698.5(ACBD5):c.523G>A (p.Ala175Thr)

Gene: ACBD5 (acyl-CoA binding domain containing 5; minus strand). Cytogenetic location: 10p12.1.
Variant type: single nucleotide variant.
Coding change: c.523G>A on transcript NM_145698.5 (MANE Select); coding-DNA position 523, G replaced by A.
Protein change: p.Ala175Thr; replaces alanine 175 with threonine.
Molecular consequence: missense variant. On other transcripts: intron variant (2).
Genome position (GRCh38, 1-based): chr10:27,219,825, C>T on the plus strand (G>A on the coding strand, the complement: ACBD5 is on the minus strand). VCF-style: chr10-27219825-C-T. GRCh37 (hg19) VCF-style: chr10-27508754-C-T.
Other names: c.418G>A, p.Ala140Thr (NM_001042473.4, NM_001352577.2, NM_001352578.2 and 2 more transcripts); c.517G>A, p.Ala173Thr (NM_001271512.3, NM_001352587.1); c.196G>A, p.Ala66Thr (NM_001301251.2, NM_001301252.2, NM_001301253.2 and 3 more transcripts); c.577G>A, p.Ala193Thr (NM_001352568.1); c.556G>A, p.Ala186Thr (NM_001352569.1, NM_001352581.1); c.523G>A, p.Ala175Thr (NM_001352570.1, NM_001352588.1); c.550G>A, p.Ala184Thr (NM_001352571.1, NM_001352586.1); c.544G>A, p.Ala182Thr (NM_001352572.1); and 5 more; short protein forms A182T, A184T, A77T, A151T, A175T, A193T, A66T, A140T.
Identifiers: ClinVar variation 933766 (VCV000933766.8), dbSNP rs191654621, ClinGen allele CA5450897.